The following is an entry in ClinVar:

ClinVar aggregate classification (germline): Uncertain significance (1 of 4 stars; one submission).

Submission:

GeneDx
Classification: Uncertain significance. Last evaluated: 2019-09-30. Review status: criteria provided, single submitter. Criteria: GeneDx Variant Classification Process June 2021. Collection method: clinical testing. Allele origin: germline. Affected: yes.
Comment: Not observed in large population cohorts (Lek et al., 2016); In silico analysis, which includes protein predictors and evolutionary conservation, supports that this variant does not alter protein structure/function; Has not been previously published as pathogenic or benign to our knowledge

NM_004984.4(KIF5A):c.65C>T (p.Ala22Val)

Gene: KIF5A (kinesin family member 5A; plus strand). Cytogenetic location: 12q13.3.
Variant type: single nucleotide variant.
Coding change: c.65C>T on transcript NM_004984.4 (MANE Select); coding-DNA position 65, C replaced by T.
Protein change: p.Ala22Val; replaces alanine 22 with valine.
Molecular consequence: missense variant.
Genome position (GRCh38, 1-based): chr12:57,550,336, C>T. VCF-style: chr12-57550336-C-T. GRCh37 (hg19) VCF-style: chr12-57944119-C-T.
Other names: c.65C>T, p.Ala22Val (NM_001354705.2); short protein forms A22V.
Identifiers: ClinVar variation 1312441 (VCV001312441.2), dbSNP rs745558435, ClinGen allele CA385495989.